The following is an entry in ClinVar:

NM_001042492.3(NF1):c.7662_7664delinsAG (p.Lys2555fs)

Gene: NF1 (neurofibromin 1; plus strand). Cytogenetic location: 17q11.2.
Variant type: Indel.
Coding change: c.7662_7664delinsAG on transcript NM_001042492.3 (MANE Select); coding-DNA positions 7662 to 7664, TAA replaced by AG.
Protein change: p.Lys2555fs; shifts the reading frame from lysine 2555.
Molecular consequence: frameshift variant.
Genome position (GRCh38, 1-based): chr17:31,356,506-31,356,508, TAA replaced by AG. VCF-style: chr17-31356506-TAA-AG. GRCh37 (hg19) VCF-style: chr17-29683524-TAA-AG.
Other names: c.7599_7601delTAAinsAG (NM_000267.3); c.7599_7601delTAAinsAG, p.Lys2534Glufs (NM_000267.4); short protein forms K2555fs, K2534fs.
Identifiers: ClinVar variation 575440 (VCV000575440.8), dbSNP rs1567626632, ClinGen allele CA891843664.

ClinVar aggregate classification (germline): Pathogenic. Review status: criteria provided, multiple submitters, no conflicts (2 of 4 stars). 2 submissions from 2 submitters: Pathogenic (2). Last evaluated 2018-04-30.

Conditions:
Cardiovascular phenotype. Identifiers: MedGen CN230736.
Hereditary cancer-predisposing syndrome. Also called: Hereditary neoplastic syndrome; Tumor predisposition; Hereditary Cancer Syndrome; Neoplastic Syndromes, Hereditary. Identifiers: Orphanet 140162, MedGen C0027672, MeSH D009386, MONDO:0015356.
Neurofibromatosis, type 1 (NF1). Also called: Peripheral type neurofibromatosis; Neurofibromatosis, type I; VON RECKLINGHAUSEN DISEASE; NEUROFIBROMATOSIS, TYPE I, SOMATIC. Identifiers: Orphanet 636, MedGen C0027831, MONDO:0018975, OMIM 162200. Disease mechanism: loss of function.

Submissions (2):

Ambry Genetics
Classification: Pathogenic for Cardiovascular phenotype; Hereditary cancer-predisposing syndrome. Last evaluated: 2018-04-30. Review status: criteria provided, single submitter. Criteria: Ambry Variant Classification Scheme 2023. Collection method: clinical testing. Allele origin: germline.
Comment: The c.7599_7601delTAAinsAG pathogenic mutation, located in coding exon 51 of the NF1 gene, results from the deletion of 3 nucleotides and insertion of two nucleotides causing a translational frameshift with a predicted alternate stop codon (p.K2534Efs*15). This alteration is expected to result in loss of function by premature protein truncation or nonsense-mediated mRNA decay. As such, this alteration is interpreted as a disease-causing mutation.

Labcorp Genetics (formerly Invitae), Labcorp
Classification: Pathogenic for Neurofibromatosis, type 1. Last evaluated: 2018-03-09. Review status: criteria provided, single submitter. Criteria: Invitae Variant Classification Sherloc (09022015). Collection method: clinical testing. Allele origin: germline.
Comment: This sequence change creates a premature translational stop signal (p.Arg2534Glufs*15) in the NF1 gene. It is expected to result in an absent or disrupted protein product. This variant is not present in population databases (ExAC no frequency). For these reasons, this variant has been classified as Pathogenic. Loss-of-function variants in NF1 are known to be pathogenic (PMID: 10712197, 23913538). This variant has not been reported in the literature in individuals with NF1-related disease.

Literature cited by the submitters: PubMed 10712197 (cited by Labcorp Genetics (formerly Invitae), Labcorp); PubMed 23913538 (cited by Labcorp Genetics (formerly Invitae), Labcorp).